The following is an entry in ClinVar:

ClinVar aggregate classification (germline): Likely benign. Review status: reviewed by expert panel (3 of 4 stars). 4 submissions from 4 submitters: Likely benign (1). 3 of the submissions do not count toward it. Last evaluated 2026-05-12.

Conditions:
Deficiency of UDPglucose-hexose-1-phosphate uridylyltransferase. Also called: GALACTOSEMIA I; GALACTOSE-1-PHOSPHATE URIDYLYLTRANSFERASE DEFICIENCY; GALT deficiency; Galactosemia, classic; Transferase Deficiency Galactosemia. Identifiers: Orphanet 352, Orphanet 79239, MedGen C0268151, MONDO:0009258, OMIM 230400.
Galactosemia. Also called: Galactose intolerance. Identifiers: Orphanet 352, MedGen C0016952, MONDO:0018116, HP:0004919. Disease mechanism: loss of function.

Allele frequency attached by ClinVar (database versions not stated): TOPMed below 0.00001; ExAC 0.00001; gnomAD 0.00001; gnomAD exomes 0.00002 and 0.00003.
gnomAD v4.1: 52 of 1,614,048 alleles (0.0032%); highest among the groups gnomAD compares: Middle Eastern, 0.49%; no homozygotes.

Submissions (4):

Clingen Galactosemia Variant Curation Expert Panel, ClinGen
Classification: Likely benign for Galactosemia. Last evaluated: 2026-05-12. Review status: reviewed by expert panel. Criteria: ClinGen Galactosemia ACMG Specifications GALT V1.1. Collection method: curation. Allele origin: germline. Inheritance: Autosomal recessive inheritance.
Comment: The c.328+7T>C variant (NM_000155.4) is an intronic variant that is not predicted by SpliceAI to impact splicing. In addition, it occurs at a nucleotide that is not predicted to be involved in splicing (BP4, BP7). The filtering allele frequency in gnomAD v4.1.0 is 0.003549 in the Middle Eastern population. PM2_Supporting, BS1, and BA1 are not met. In summary, this variant meets the criteria to be classified as likely benign for galactosemia based on the ACMG/AMP criteria applied, as specified by the ClinGen Galactosemia VCEP: BP4, BP7.

Labcorp Genetics (formerly Invitae), Labcorp
Classification: Likely benign for Deficiency of UDPglucose-hexose-1-phosphate uridylyltransferase. Last evaluated: 2026-01-31. Review status: criteria provided, single submitter. Criteria: Invitae Variant Classification Sherloc (09022015). Collection method: clinical testing. Allele origin: germline. Not counted in ClinVar's aggregate classification.

Women's Health and Genetics/Laboratory Corporation of America, LabCorp
Classification: Likely benign. Last evaluated: 2025-04-23. Review status: criteria provided, single submitter. Criteria: LabCorp Variant Classification Summary - May 2015. Collection method: clinical testing. Allele origin: germline. Not counted in ClinVar's aggregate classification.

Natera, Inc.
Classification: Uncertain significance for Galactosemia. Last evaluated: 2018-07-21. Review status: no assertion criteria provided. Collection method: clinical testing. Allele origin: germline. Not counted in ClinVar's aggregate classification.

NM_000155.4(GALT):c.328+7T>C

Gene: GALT (galactose-1-phosphate uridylyltransferase; plus strand). Cytogenetic location: 9p13.3.
Variant type: single nucleotide variant.
Coding change: c.328+7T>C on transcript NM_000155.4 (MANE Select); 7 bases into the intron after coding-DNA position 328, T replaced by C.
Molecular consequence: intron variant.
Genome position (GRCh38, 1-based): chr9:34,647,574, T>C. VCF-style: chr9-34647574-T-C. GRCh37 (hg19) VCF-style: chr9-34647571-T-C.
Other names: c.51-258T>C (NM_001258332.2).
Identifiers: ClinVar variation 495676 (VCV000495676.16), dbSNP rs774350978, ClinGen allele CA5036084.